The following is an entry in ClinVar:

ClinVar aggregate classification (germline): Uncertain significance (1 of 4 stars; one submission).

Submission:

Institute for Human Genetics, University Hospital Essen
Classification: Uncertain significance. Last evaluated: 2025-11-27. Review status: criteria provided, single submitter. Criteria: Submitter's publication. Collection method: clinical testing. Allele origin: biparental. Inheritance: Autosomal unknown. Affected: yes. Observed: 1 variant allele, 1 homozygote.
Comment: PM1, PM2_supp, PP1 (criteria rationale detailed in Leitão et al. Nature Genetics 2026)

NR_199791.1(RNU2-2):n.17_35dup

Genes: RNU2-2 (RNA, U2 small nuclear 2; minus strand), WDR74 (WD repeat domain 74; minus strand). Cytogenetic location: 11q12.3.
Variant type: Duplication.
Molecular consequence: non-coding transcript variant (on NR_199791.1). On other transcripts: 5 prime UTR variant (1).
Genome position: GRCh38 VCF-style: chr11-62841774-C-CTACACTTGATCTTAGCCAA. GRCh37 (hg19) VCF-style: chr11-62609246-C-CTACACTTGATCTTAGCCAA.
Other names: c.-522_-504dup (NM_001369451.1).
Identifiers: ClinVar variation 4540460 (VCV004540460.1).